The following is an entry in ClinVar:

ClinVar aggregate classification (germline): Uncertain significance (1 of 4 stars; one submission).

Conditions:
Ehlers-Danlos syndrome, type 4 (EDSVASC). Also called: Ehlers-Danlos Syndrome Type IV; Ehlers-Danlos syndrome vascular type; Ehlers Danlos syndrome, ecchymotic type; Ehlers Danlos syndrome, arterial type; Ehlers Danlos syndrome, Sack-Barabas type. Identifiers: Orphanet 286, MedGen C0268338, MONDO:0017314, OMIM 130050.

Submission:

All of Us Research Program, National Institutes of Health
Classification: Uncertain significance for Ehlers-Danlos syndrome, type 4. Last evaluated: 2023-02-10. Review status: criteria provided, single submitter. Criteria: ACMG Guidelines, 2015. Collection method: clinical testing. Allele origin: germline. Inheritance: Autosomal dominant inheritance. Observed: 1 variant allele, 1 heterozygote.
Comment: This study involves interpretation of variants in research participants for the purpose of population health screening. Participant phenotype was not available at the time of variant classification. Additional details can be found in publication PMID: 35346344, PMCID: PMC8962531

NM_000090.4(COL3A1):c.569A>C (p.His190Pro)

Gene: COL3A1 (collagen type III alpha 1 chain; plus strand). Cytogenetic location: 2q32.2.
Variant type: single nucleotide variant.
Coding change: c.569A>C on transcript NM_000090.4 (MANE Select); coding-DNA position 569, A replaced by C.
Protein change: p.His190Pro; replaces histidine 190 with proline.
Molecular consequence: missense variant.
Genome position (GRCh38, 1-based): chr2:188,988,121, A>C. VCF-style: chr2-188988121-A-C. GRCh37 (hg19) VCF-style: chr2-189852847-A-C.
Other names: short protein forms H190P.
Identifiers: ClinVar variation 3069420 (VCV003069420.1), dbSNP rs771343175, ClinGen allele CA349848276.